The following is an entry in ClinVar:

ClinVar aggregate classification (germline): Likely benign (1 of 4 stars; one submission).

Conditions:
IDS-related disorder. Also called: IDS-related condition.

Submission:

PreventionGenetics, part of Exact Sciences
Classification: Likely benign for IDS-related condition. Last evaluated: 2025-07-17. Review status: criteria provided, single submitter. Criteria: ACMG Guidelines, 2015. Collection method: clinical testing. Allele origin: germline.
Comment: This variant is classified as likely benign based on ACMG/AMP sequence variant interpretation guidelines (Richards et al. 2015 PMID: 25741868, with internal and published modifications).

NM_000202.8(IDS):c.419-7T>C

Genes: IDS (iduronate 2-sulfatase; minus strand), LOC106050102 (IDS recombination region; plus strand). Cytogenetic location: Xq28.
Variant type: single nucleotide variant.
Coding change: c.419-7T>C on transcript NM_000202.8 (MANE Select); 7 bases into the intron before coding-DNA position 419, T replaced by C.
Molecular consequence: intron variant.
Genome position (GRCh38, 1-based): chrX:149,501,044, A>G on the plus strand (T>C on the coding strand, the complement: IDS is on the minus strand). VCF-style: chrX-149501044-A-G. GRCh37 (hg19) VCF-style: chrX-148582575-A-G.
Other names: c.149-7T>C (NM_001166550.4); c.419-7T>C (NM_006123.5).
Identifiers: ClinVar variation 4999126 (VCV004999126.1).